The following is an entry in ClinVar:

NM_000518.5(HBB):c.24G>C (p.Glu8Asp)

Genes: HBB (hemoglobin subunit beta; minus strand), LOC106099062 (HBB recombination region; plus strand), LOC107133510 (origin of replication at HBB; plus strand). Cytogenetic location: 11p15.4.
Variant type: single nucleotide variant.
Coding change: c.24G>C on transcript NM_000518.5 (MANE Select); coding-DNA position 24, G replaced by C.
Protein change: p.Glu8Asp; replaces glutamic acid 8 with aspartic acid.
Molecular consequence: missense variant.
Genome position (GRCh38, 1-based): chr11:5,226,998, C>G on the plus strand (G>C on the coding strand, the complement: HBB is on the minus strand). VCF-style: chr11-5226998-C-G. GRCh37 (hg19) VCF-style: chr11-5248228-C-G.
Other names: short protein forms E8D.
Identifiers: ClinVar variation 2681985 (VCV002681985.1), dbSNP rs138405215, ClinGen allele CA379274966.

ClinVar aggregate classification (germline): Uncertain significance (1 of 4 stars; one submission).

Submission:

Quest Diagnostics Nichols Institute San Juan Capistrano
Classification: Uncertain significance. Last evaluated: 2023-05-16. Review status: criteria provided, single submitter. Criteria: Quest Diagnostics criteria. Collection method: clinical testing. Allele origin: unknown.
Comment: The HBB c.24G>C (p.Glu8Asp) variant has not been reported in the published literature. It also has not been reported in large, multi-ethnic general populations (Genome Aggregation Database). Analysis of this variant using bioinformatics tools for the prediction of the effect of amino acid changes on protein structure and function yielded conflicting predictions that this variant is benign or damaging. Based on the available information, we are unable to determine the clinical significance of this variant.